The following continues an entry in ClinVar:

NM_000257.4(MYH7):c.5704G>C (p.Glu1902Gln)

Gene: MYH7. ClinVar aggregate classification (germline): Likely benign. Likely benign (1).

Submissions 10 to 16 of 16:

Illumina Laboratory Services, Illumina
Classification: Likely benign for MYH7-related skeletal myopathy. Last evaluated: 2017-04-28. Review status: criteria provided, single submitter. Criteria: ICSL Variant Classification Criteria 13 December 2019. Collection method: clinical testing. Allele origin: germline. Not counted in ClinVar's aggregate classification.
Comment: This variant was observed as part of a predisposition screen in an ostensibly healthy population. A literature search was performed for the gene, cDNA change, and amino acid change (where applicable). No publications were found based on this search. Allele frequency data from public databases allowed determination this variant is unlikely to cause disease. Therefore, this variant is classified as likely benign.

Illumina Laboratory Services, Illumina
Classification: Likely benign for Myosin storage myopathy. Last evaluated: 2017-04-28. Review status: criteria provided, single submitter. Criteria: ICSL Variant Classification Criteria 13 December 2019. Collection method: clinical testing. Allele origin: germline. Not counted in ClinVar's aggregate classification.
Comment: This variant was observed as part of a predisposition screen in an ostensibly healthy population. A literature search was performed for the gene, cDNA change, and amino acid change (where applicable). No publications were found based on this search. Allele frequency data from public databases allowed determination this variant is unlikely to cause disease. Therefore, this variant is classified as likely benign.

Laboratory for Molecular Medicine, Mass General Brigham Personalized Medicine
Classification: Uncertain significance. Last evaluated: 2016-02-05. Review status: criteria provided, single submitter. Criteria: LMM Criteria. Collection method: clinical testing. Allele origin: germline. Observed: 1 variant allele. Not counted in ClinVar's aggregate classification.
Comment: proposed classification - variant undergoing re-assessment, contact laboratory

Stanford Center for Inherited Cardiovascular Disease, Stanford University
Classification: Uncertain significance. Review status: criteria provided, single submitter. Criteria: ACMG Guidelines, 2015. Collection method: provider interpretation. Allele origin: germline. Not counted in ClinVar's aggregate classification.

PreventionGenetics, part of Exact Sciences
Classification: Likely benign for MYH7-related condition. Last evaluated: 2022-08-25. Review status: no assertion criteria provided. Collection method: clinical testing. Allele origin: germline. Not counted in ClinVar's aggregate classification.
Comment: This variant is classified as likely benign based on ACMG/AMP sequence variant interpretation guidelines (Richards et al. 2015 PMID: 25741868, with internal and published modifications).

Clinical Genetics DNA and cytogenetics Diagnostics Lab, Erasmus MC, Erasmus Medical Center
Classification: Uncertain significance. Review status: no assertion criteria provided. Collection method: clinical testing. Allele origin: germline. Affected: yes. Study: VKGL Data-share Consensus. Not counted in ClinVar's aggregate classification.

Joint Genome Diagnostic Labs from Nijmegen and Maastricht, Radboudumc and MUMC+
Classification: Uncertain significance. Review status: no assertion criteria provided. Collection method: clinical testing. Allele origin: germline. Affected: yes. Study: VKGL Data-share Consensus. Not counted in ClinVar's aggregate classification.

Literature cited by the submitters: PubMed 29300372 (cited by 3 submitters); PubMed 25086479 (cited by 5 submitters); PubMed 27247418 (cited by Ambry Genetics); PubMed 27532257 (cited by 3 submitters); PubMed 28878402 (cited by Ambry Genetics and Agnes Ginges Centre for Molecular Cardiology, Centenary Institute); PubMed 20474083 (cited by Victorian Clinical Genetics Services, Murdoch Childrens Research Institute); PubMed 23403236 (cited by Victorian Clinical Genetics Services, Murdoch Childrens Research Institute); PubMed 24714796 (cited by Victorian Clinical Genetics Services, Murdoch Childrens Research Institute); PubMed 29875424 (cited by Victorian Clinical Genetics Services, Murdoch Childrens Research Institute); PubMed 31783775 (cited by Victorian Clinical Genetics Services, Murdoch Childrens Research Institute).